The following is an entry in ClinVar:

ClinVar aggregate classification (germline): Uncertain significance (1 of 4 stars; one submission).

Conditions:
Hereditary cancer-predisposing syndrome. Also called: Neoplastic Syndromes, Hereditary; Tumor predisposition; Hereditary neoplastic syndrome; Hereditary Cancer Syndrome. Identifiers: Orphanet 140162, MedGen C0027672, MeSH D009386, MONDO:0015356.

Submission:

Ambry Genetics
Classification: Uncertain significance for Hereditary cancer-predisposing syndrome. Last evaluated: 2026-06-22. Review status: criteria provided, single submitter. Criteria: Ambry Variant Classification Scheme 2023. Collection method: clinical testing. Allele origin: germline.
Comment: The c.1568+4A>G intronic variant results from an A to G substitution 4 nucleotides after coding exon 10 in the MSH3 gene. This nucleotide position is highly conserved in available vertebrate species. In silico splice site analysis predicts that this alteration will result in the creation or strengthening of a novel splice donor site. Based on the available evidence, the clinical significance of this variant remains unclear.

NM_002439.5(MSH3):c.1568+4A>G

Gene: MSH3 (mutS homolog 3; plus strand). Cytogenetic location: 5q14.1.
Variant type: single nucleotide variant.
Coding change: c.1568+4A>G on transcript NM_002439.5 (MANE Select); 4 bases into the intron after coding-DNA position 1568, A replaced by G.
Molecular consequence: intron variant.
Genome position (GRCh38, 1-based): chr5:80,728,969, A>G. VCF-style: chr5-80728969-A-G. GRCh37 (hg19) VCF-style: chr5-80024788-A-G.
Identifiers: ClinVar variation 5024741 (VCV005024741.1).